The following is an entry in ClinVar:

NM_001040142.2(SCN2A):c.3676-9G>T

Gene: SCN2A (sodium voltage-gated channel alpha subunit 2; plus strand). Cytogenetic location: 2q24.3.
Variant type: single nucleotide variant.
Coding change: c.3676-9G>T on transcript NM_001040142.2 (MANE Select); 9 bases into the intron before coding-DNA position 3676, G replaced by T.
Molecular consequence: intron variant.
Genome position (GRCh38, 1-based): chr2:165,370,117, G>T. VCF-style: chr2-165370117-G-T. GRCh37 (hg19) VCF-style: chr2-166226627-G-T.
Other names: c.3676-9G>T (NM_001040143.2, NM_001371246.1, NM_001371247.1 and 1 more transcripts).
Identifiers: ClinVar variation 702810 (VCV000702810.14), dbSNP rs767017457, ClinGen allele CA1940159.

ClinVar aggregate classification (germline): Likely benign. Review status: criteria provided, multiple submitters, no conflicts (2 of 4 stars). 3 submissions from 3 submitters: Likely benign (2). 1 of the submissions does not count toward it. Last evaluated 2026-01-15.

Conditions:
Seizures, benign familial infantile, 3 (BFIS3). Also called: CONVULSIONS, BENIGN FAMILIAL INFANTILE, 3; Familial neonatal seizures. Identifiers: Orphanet 140927, Orphanet 306, MedGen C1843140, MONDO:0011904, OMIM 607745.
Developmental and epileptic encephalopathy, 11 (DEE11). Also called: Early infantile epileptic encephalopathy 11. Identifiers: Orphanet 1934, MedGen C3150987, MONDO:0013388, OMIM 613721.
SCN2A-related disorder. Also called: SCN2A-related condition; SCN2A-related disorders. Identifiers: MedGen CN382226, MONDO:1060245.

Allele frequency attached by ClinVar (database versions not stated): ExAC 0.00003; gnomAD exomes 0.00001 and 0.00004; gnomAD 0.00003; TOPMed 0.00004.
gnomAD v4.1: 19 of 1,611,844 alleles (0.0012%); highest among the groups gnomAD compares: East Asian, 0.02%; no homozygotes.

Submissions (3):

Labcorp Genetics (formerly Invitae), Labcorp
Classification: Likely benign for Seizures, benign familial infantile, 3; Developmental and epileptic encephalopathy, 11. Last evaluated: 2026-01-15. Review status: criteria provided, single submitter. Criteria: Invitae Variant Classification Sherloc (09022015). Collection method: clinical testing. Allele origin: germline.

GeneDx
Classification: Likely benign. Last evaluated: 2020-04-06. Review status: criteria provided, single submitter. Criteria: GeneDx Variant Classification Process June 2021. Collection method: clinical testing. Allele origin: germline. Affected: yes.

PreventionGenetics, part of Exact Sciences
Classification: Likely benign for SCN2A-related condition. Last evaluated: 2019-08-30. Review status: no assertion criteria provided. Collection method: clinical testing. Allele origin: germline. Not counted in ClinVar's aggregate classification.
Comment: This variant is classified as likely benign based on ACMG/AMP sequence variant interpretation guidelines (Richards et al. 2015 PMID: 25741868, with internal and published modifications).